The following is an entry in ClinVar:

ClinVar aggregate classification (germline): Uncertain significance (1 of 4 stars; one submission).

Conditions:
Cystic fibrosis (CF). Also called: MUCOVISCIDOSIS. Identifiers: Orphanet 586, MedGen C0010674, MONDO:0009061, OMIM 219700. Disease mechanism: loss of function.

Submission:

Ambry Genetics
Classification: Uncertain significance for Cystic fibrosis. Last evaluated: 2014-08-15. Review status: criteria provided, single submitter. Criteria: Ambry Variant Classification Scheme 2023. Collection method: clinical testing. Allele origin: germline.
Comment: The p.Q290E variant (also known as c.868C>G), located in coding exon 7 of the CFTR gene, results from a C to G substitution at nucleotide position 868. The glutamine at codon 290 is replaced by glutamic acid, an amino acid with highly similar properties. This variant was not reported in population based cohorts in the following databases: Database of Single Nucleotide Polymorphisms (dbSNP), NHLBI Exome Sequencing Project (ESP), and 1000 Genomes Project. In the ESP, this variant was not observed in 6501 samples (13002 alleles) with coverage at this position. This amino acid position is poorly conserved in available vertebrate species. In addition, glutamic acid is the reference amino acid in at least seven species. In addition, this alteration is predicted to be tolerated by in silico analysis. Since supporting evidence is limited at this time, the clinical significance of this variant remains unclear.

NM_000492.4(CFTR):c.868C>G (p.Gln290Glu)

Gene: CFTR (CF transmembrane conductance regulator; plus strand). Cytogenetic location: 7q31.2.
Variant type: single nucleotide variant.
Coding change: c.868C>G on transcript NM_000492.4 (MANE Select); coding-DNA position 868, C replaced by G.
Protein change: p.Gln290Glu; replaces glutamine 290 with glutamic acid.
Molecular consequence: missense variant.
Genome position (GRCh38, 1-based): chr7:117,536,672, C>G. VCF-style: chr7-117536672-C-G. GRCh37 (hg19) VCF-style: chr7-117176726-C-G.
Other names: short protein forms Q290E.
Identifiers: ClinVar variation 1764312 (VCV001764312.2), dbSNP rs397508808, ClinGen allele CA368977589.